The following is an entry in ClinVar:

ClinVar aggregate classification (germline): Uncertain significance (1 of 4 stars; one submission).

Conditions:
Kabuki syndrome. Also called: Kabuki make-up syndrome; NIIKAWA-KUROKI SYNDROME. Identifiers: Orphanet 2322, MedGen C0796004, MONDO:0016512.

Allele frequency attached by ClinVar (database versions not stated): gnomAD 0.00001; ESP Exome Variant Server 0.00008; gnomAD exomes 0.00001; TOPMed 0.00001.
gnomAD v4.1: 8 of 1,613,916 alleles (0.0005%); highest among the groups gnomAD compares: Non-Finnish European, 0.00068%; no homozygotes.

Submission:

Labcorp Genetics (formerly Invitae), Labcorp
Classification: Uncertain significance for Kabuki syndrome. Last evaluated: 2025-08-17. Review status: criteria provided, single submitter. Criteria: Invitae Variant Classification Sherloc (09022015). Collection method: clinical testing. Allele origin: germline.
Comment: This sequence change replaces arginine, which is basic and polar, with tryptophan, which is neutral and slightly polar, at codon 4989 of the KMT2D protein (p.Arg4989Trp). This variant is not present in population databases (gnomAD no frequency). This variant has not been reported in the literature in individuals affected with KMT2D-related conditions. ClinVar contains an entry for this variant (Variation ID: 2963577). Invitae Evidence Modeling of protein sequence and biophysical properties (such as structural, functional, and spatial information, amino acid conservation, physicochemical variation, residue mobility, and thermodynamic stability) indicates that this missense variant is not expected to disrupt KMT2D protein function with a negative predictive value of 95%. In summary, the available evidence is currently insufficient to determine the role of this variant in disease. Therefore, it has been classified as a Variant of Uncertain Significance.

NM_003482.4(KMT2D):c.14965C>T (p.Arg4989Trp)

Gene: KMT2D (lysine methyltransferase 2D; minus strand). Cytogenetic location: 12q13.12.
Variant type: single nucleotide variant.
Coding change: c.14965C>T on transcript NM_003482.4 (MANE Select); coding-DNA position 14965, C replaced by T.
Protein change: p.Arg4989Trp; replaces arginine 4989 with tryptophan.
Molecular consequence: missense variant.
Genome position (GRCh38, 1-based): chr12:49,027,001, G>A on the plus strand (C>T on the coding strand, the complement: KMT2D is on the minus strand). VCF-style: chr12-49027001-G-A. GRCh37 (hg19) VCF-style: chr12-49420784-G-A.
Other names: short protein forms R4989W.
Identifiers: ClinVar variation 2963577 (VCV002963577.3), dbSNP rs369790149, ClinGen allele CA236633975.
Genomic context (GRCh38, chr12:49,027,001, plus strand): 5'-CTTCCCGCTCATCCTCCTGCCGCCCACTGCCCTTCTGGATGGTCAGCAGCAGCCGAAGCC[G>A]CTTCCAGCGCACTCCTTTCCATTTCTTGAGGCGAGGAGGACGGGAATCTTCACCTTCTTC-3'
Protein context (NP_003473.3, residues 4979-4999): LKKWKGVRWK[Arg4989Trp]LRLLLTIQKG